The following is an entry in ClinVar:

NM_001384474.1(LOXHD1):c.6516C>T (p.Ala2172=)

Gene: LOXHD1 (lipoxygenase homology PLAT domains 1; minus strand). Cytogenetic location: 18q21.1.
Variant type: single nucleotide variant.
Coding change: c.6516C>T on transcript NM_001384474.1 (MANE Select); coding-DNA position 6516, C replaced by T.
Protein change: p.Ala2172=; no amino-acid change (alanine 2172 retained).
Molecular consequence: synonymous variant.
Genome position (GRCh38, 1-based): chr18:46,477,778, G>A on the plus strand (C>T on the coding strand, the complement: LOXHD1 is on the minus strand). VCF-style: chr18-46477778-G-A. GRCh37 (hg19) VCF-style: chr18-44057741-G-A.
Other names: c.3183C>T, p.Ala1061= (NM_001145472.3); c.1233C>T, p.Ala411= (NM_001145473.3, NM_001173129.2); c.2895C>T, p.Ala965= (NM_001308013.2); c.6330C>T, p.Ala2110= (NM_144612.7).
Identifiers: ClinVar variation 281731 (VCV000281731.19), dbSNP rs886042223, ClinGen allele CA10603957.

ClinVar aggregate classification (germline): Conflicting classifications of pathogenicity. Review status: criteria provided, conflicting classifications (1 of 4 stars). 4 submissions from 4 submitters: Uncertain significance (1); Likely benign (1). 2 of the submissions do not count toward it. Last evaluated 2026-01-18.

Conditions:
LOXHD1-related disorder. Also called: LOXHD1-related condition.
Autosomal recessive nonsyndromic hearing loss 77. Identifiers: Orphanet 90636, MedGen C2746083, MONDO:0013119, OMIM 613079.

Allele frequency attached by ClinVar (database versions not stated): gnomAD 0.00001; gnomAD exomes 0.00009 and 0.00020; TOPMed 0.00011.
gnomAD v4.1: 50 of 1,551,762 alleles (0.0032%); highest among the groups gnomAD compares: Admixed American, 0.094%; 1 homozygote.

Submissions (4):

Labcorp Genetics (formerly Invitae), Labcorp
Classification: Likely benign. Last evaluated: 2026-01-18. Review status: criteria provided, single submitter. Criteria: Invitae Variant Classification Sherloc (09022015). Collection method: clinical testing. Allele origin: germline.

Eurofins Ntd Llc (ga)
Classification: Uncertain significance. Last evaluated: 2015-07-23. Review status: criteria provided, single submitter. Criteria: EGL Classification Definitions 2015. Collection method: clinical testing. Allele origin: germline. Observed: 1 variant allele, 1 heterozygote.

PreventionGenetics, part of Exact Sciences
Classification: Likely benign for LOXHD1-related condition. Last evaluated: 2024-09-12. Review status: no assertion criteria provided. Collection method: clinical testing. Allele origin: germline. Not counted in ClinVar's aggregate classification.
Comment: This variant is classified as likely benign based on ACMG/AMP sequence variant interpretation guidelines (Richards et al. 2015 PMID: 25741868, with internal and published modifications).

Natera, Inc.
Classification: Uncertain significance for Autosomal recessive deafness type 77. Last evaluated: 2020-01-24. Review status: no assertion criteria provided. Collection method: clinical testing. Allele origin: germline. Not counted in ClinVar's aggregate classification.